The following is an entry in ClinVar:

NM_002439.5(MSH3):c.2367C>G (p.Tyr789Ter)

Gene: MSH3 (mutS homolog 3; plus strand). Cytogenetic location: 5q14.1.
Variant type: single nucleotide variant.
Coding change: c.2367C>G on transcript NM_002439.5 (MANE Select); coding-DNA position 2367, C replaced by G.
Protein change: p.Tyr789Ter; replaces tyrosine 789 with a stop codon.
Molecular consequence: nonsense.
Genome position (GRCh38, 1-based): chr5:80,778,768, C>G. VCF-style: chr5-80778768-C-G. GRCh37 (hg19) VCF-style: chr5-80074587-C-G.
Other names: c.2367C>G (NM_002439.3); short protein forms Y789*.
Identifiers: ClinVar variation 2188467 (VCV002188467.6), dbSNP rs965659126, ClinGen allele CA360281798.

ClinVar aggregate classification (germline): Pathogenic. Review status: criteria provided, multiple submitters, no conflicts (2 of 4 stars). 3 submissions from 3 submitters: Pathogenic (3). Last evaluated 2025-10-21.

Conditions:
Familial adenomatous polyposis 4 (FAP4). Also called: MSH3-related attenuated familial adenomatous polyposis. Identifiers: Orphanet 480536, MedGen C4310719, MONDO:0044300, OMIM 617100.
Hereditary cancer-predisposing syndrome. Also called: Hereditary Cancer Syndrome; Tumor predisposition; Hereditary neoplastic syndrome; Neoplastic Syndromes, Hereditary. Identifiers: Orphanet 140162, MedGen C0027672, MeSH D009386, MONDO:0015356.

gnomAD v4.1: 2 of 1,613,264 alleles (0.00012%); highest among the groups gnomAD compares: Non-Finnish European, 0.00017%; no homozygotes.

Submissions (3):

Ambry Genetics
Classification: Pathogenic for Hereditary cancer-predisposing syndrome. Last evaluated: 2025-10-21. Review status: criteria provided, single submitter. Criteria: Ambry Variant Classification Scheme 2023. Collection method: clinical testing. Allele origin: germline.
Comment: The p.Y789* pathogenic mutation (also known as c.2367C>G), located in coding exon 17 of the MSH3 gene, results from a C to G substitution at nucleotide position 2367. This changes the amino acid from a tyrosine to a stop codon within coding exon 17. This alteration is expected to result in loss of function by premature protein truncation or nonsense-mediated mRNA decay. As such, this alteration is interpreted as a disease-causing mutation.

Myriad Genetics, Inc.
Classification: Pathogenic for Familial adenomatous polyposis 4. Last evaluated: 2023-08-30. Review status: criteria provided, single submitter. Criteria: Myriad Autosomal Dominant, Autosomal Recessive and X-Linked Classification Criteria (2023). Collection method: clinical testing. Allele origin: unknown.
Comment: This variant is considered pathogenic. This variant creates a termination codon and is predicted to result in premature protein truncation.

Labcorp Genetics (formerly Invitae), Labcorp
Classification: Pathogenic. Last evaluated: 2022-11-18. Review status: criteria provided, single submitter. Criteria: Invitae Variant Classification Sherloc (09022015). Collection method: clinical testing. Allele origin: germline.
Comment: For these reasons, this variant has been classified as Pathogenic. This variant has not been reported in the literature in individuals affected with MSH3-related conditions. This variant is present in population databases (no rsID available, gnomAD 0.0009%). This sequence change creates a premature translational stop signal (p.Tyr789*) in the MSH3 gene. It is expected to result in an absent or disrupted protein product. Loss-of-function variants in MSH3 are known to be pathogenic (PMID: 27476653).

Literature cited by the submitters: PubMed 27476653 (cited by Labcorp Genetics (formerly Invitae), Labcorp).